The following is an entry in ClinVar:

ClinVar aggregate classification (germline): Uncertain significance. Review status: criteria provided, multiple submitters, no conflicts (2 of 4 stars). 2 submissions from 2 submitters: Uncertain significance (2). Last evaluated 2025-07-21.

Conditions:
Hereditary cancer-predisposing syndrome. Also called: Neoplastic Syndromes, Hereditary; Hereditary Cancer Syndrome; Hereditary neoplastic syndrome; Tumor predisposition. Identifiers: Orphanet 140162, MedGen C0027672, MeSH D009386, MONDO:0015356.

Allele frequency attached by ClinVar (database versions not stated): gnomAD 0.00001; gnomAD exomes 0.00001; TOPMed 0.00002.
gnomAD v4.1: 5 of 1,578,546 alleles (0.00032%); highest among the groups gnomAD compares: East Asian, 0.0023%; no homozygotes.

Submissions (2):

Labcorp Genetics (formerly Invitae), Labcorp
Classification: Uncertain significance. Last evaluated: 2025-07-21. Review status: criteria provided, single submitter. Criteria: Invitae Variant Classification Sherloc (09022015). Collection method: clinical testing. Allele origin: germline.
Comment: This sequence change replaces phenylalanine, which is neutral and non-polar, with valine, which is neutral and non-polar, at codon 1653 of the POLE protein (p.Phe1653Val). This variant is not present in population databases (gnomAD no frequency). This variant has not been reported in the literature in individuals affected with POLE-related conditions. ClinVar contains an entry for this variant (Variation ID: 934244). Invitae Evidence Modeling of protein sequence and biophysical properties (such as structural, functional, and spatial information, amino acid conservation, physicochemical variation, residue mobility, and thermodynamic stability) indicates that this missense variant is not expected to disrupt POLE protein function with a negative predictive value of 80%. In summary, the available evidence is currently insufficient to determine the role of this variant in disease. Therefore, it has been classified as a Variant of Uncertain Significance.

Ambry Genetics
Classification: Uncertain significance for Hereditary cancer-predisposing syndrome. Last evaluated: 2025-01-24. Review status: criteria provided, single submitter. Criteria: Ambry Variant Classification Scheme 2023. Collection method: clinical testing. Allele origin: germline.
Comment: The p.F1653V variant (also known as c.4957T>G), located in coding exon 38 of the POLE gene, results from a T to G substitution at nucleotide position 4957. The phenylalanine at codon 1653 is replaced by valine, an amino acid with highly similar properties. This amino acid position is not well conserved in available vertebrate species. In addition, this alteration is predicted to be tolerated by in silico analysis. Based on the available evidence, the clinical significance of this variant remains unclear.

NM_006231.4(POLE):c.4957T>G (p.Phe1653Val)

Gene: POLE (DNA polymerase epsilon, catalytic subunit; minus strand). Cytogenetic location: 12q24.33.
Variant type: single nucleotide variant.
Coding change: c.4957T>G on transcript NM_006231.4 (MANE Select); coding-DNA position 4957, T replaced by G.
Protein change: p.Phe1653Val; replaces phenylalanine 1653 with valine.
Molecular consequence: missense variant.
Genome position (GRCh38, 1-based): chr12:132,642,393, A>C on the plus strand (T>G on the coding strand, the complement: POLE is on the minus strand). VCF-style: chr12-132642393-A-C. GRCh37 (hg19) VCF-style: chr12-133218979-A-C.
Other names: c.4957T>G (NM_006231.2); short protein forms F1653V.
Identifiers: ClinVar variation 934244 (VCV000934244.8), dbSNP rs1374627853, ClinGen allele CA387377706.